The following is an entry in ClinVar:

ClinVar aggregate classification (germline): Benign. Review status: criteria provided, multiple submitters, no conflicts (2 of 4 stars). 2 submissions from 2 submitters: Benign (2). Last evaluated 2018-01-13.

Conditions:
Occult macular dystrophy (OCMD). Also called: OMD; OCCULT MACULAR DYSTROPHY, SUSCEPTIBILITY TO. Identifiers: Orphanet 247834, MedGen C3150833, MONDO:0013316, OMIM 613587, HP:0030636.

Allele frequency attached by ClinVar (database versions not stated): gnomAD 0.00881 and 0.00932; ESP Exome Variant Server 0.00923; TOPMed 0.00941; 1000 Genomes Project 0.01098; 1000 Genomes Project 30x 0.01202.
gnomAD v4.1: 2,857 of 1,614,224 alleles (0.18%); highest among the groups gnomAD compares: African/African-American, 3.2%; 36 homozygotes.

Submissions (2):

Illumina Laboratory Services, Illumina
Classification: Benign for Occult macular dystrophy. Last evaluated: 2018-01-13. Review status: criteria provided, single submitter. Criteria: ICSL Variant Classification Criteria 13 December 2019. Collection method: clinical testing. Allele origin: germline.
Comment: This variant was observed in the ICSL laboratory as part of a predisposition screen in an ostensibly healthy population. It had not been previously curated by ICSL or reported in the Human Gene Mutation Database (HGMD: prior to June 1st, 2018), and was therefore a candidate for classification through an automated scoring system. Utilizing variant allele frequency, disease prevalence and penetrance estimates, and inheritance mode, an automated score was calculated to assess if this variant is too frequent to cause the disease. Based on the score and internal cut-off values, a variant classified as benign is not then subjected to further curation. The score for this variant resulted in a classification of benign for this disease.

Breakthrough Genomics
Classification: Benign. Review status: criteria provided, single submitter. Criteria: ACMG Guidelines, 2015. Collection method: not provided. Allele origin: germline. Inheritance: Autosomal recessive inheritance. Affected: yes.

NM_178857.6(RP1L1):c.6816C>T (p.Val2272=)

Gene: RP1L1 (RP1 like 1). Cytogenetic location: 8p23.1.
Variant type: single nucleotide variant.
Coding change: c.6816C>T on transcript NM_178857.6 (MANE Select); coding-DNA position 6816, C replaced by T.
Protein change: p.Val2272=; no amino-acid change (valine 2272 retained).
Molecular consequence: synonymous variant.
Genome position (GRCh38, 1-based): chr8:10,607,282, G>A on the plus strand (C>T on the coding strand, the complement: RP1L1 is on the minus strand). VCF-style: chr8-10607282-G-A. GRCh37 (hg19) VCF-style: chr8-10464792-G-A.
Identifiers: ClinVar variation 361210 (VCV000361210.6), dbSNP rs74638396, ClinGen allele CA4623168.